The following is an entry in ClinVar:

NM_004991.4(MECOM):c.2611G>A (p.Ala871Thr)

Gene: MECOM (MDS1 and EVI1 complex locus; minus strand). Cytogenetic location: 3q26.2.
Variant type: single nucleotide variant.
Coding change: c.2611G>A on transcript NM_004991.4 (MANE Select); coding-DNA position 2611, G replaced by A.
Protein change: p.Ala871Thr; replaces alanine 871 with threonine.
Molecular consequence: missense variant.
Genome position (GRCh38, 1-based): chr3:169,102,220, C>T on the plus strand (G>A on the coding strand, the complement: MECOM is on the minus strand). VCF-style: chr3-169102220-C-T. GRCh37 (hg19) VCF-style: chr3-168820008-C-T.
Other names: c.2242G>A, p.Ala748Thr (NM_001105077.4); c.2047G>A, p.Ala683Thr (NM_001105078.4, NM_001205194.2, NM_001366469.2 and 1 more transcripts); c.2023G>A, p.Ala675Thr (NM_001163999.2, NM_001366470.2); c.2020G>A, p.Ala674Thr (NM_001164000.2, NM_001366471.2, NM_001366472.2); c.2584G>A, p.Ala862Thr (NM_001366466.2); c.2050G>A, p.Ala684Thr (NM_001366467.2, NM_001366468.2); c.1612G>A, p.Ala538Thr (NM_001366473.2); c.1048G>A, p.Ala350Thr (NM_001366474.2); short protein forms A350T, A538T, A674T, A675T, A683T, A684T, A748T, A862T.
Identifiers: ClinVar variation 1049625 (VCV001049625.9), dbSNP rs371057960, ClinGen allele CA2696082.
Genomic context (GRCh38, chr3:169,102,220, plus strand): 5'-CACTGGCCTCAGGTTTCAGGGCACTGAAGCTCTCTAGCTTTTCTGCCATGTTTTCAATAG[C>T]TGACATCTGAAAGGTAAAAGCACAAGACCATGAAGCGTTTGGCATCTTGTCTTCTATAAT-3'
Protein context (NP_004982.2, residues 861-881): QLPDQRTWMS[Ala871Thr]IENMAEKLES

ClinVar aggregate classification (germline): Uncertain significance. Review status: criteria provided, multiple submitters, no conflicts (2 of 4 stars). 3 submissions from 3 submitters: Uncertain significance (2). 1 of the submissions does not count toward it. Last evaluated 2025-10-01.

Allele frequency attached by ClinVar (database versions not stated): TOPMed 0.00003; gnomAD 0.00006 and 0.00009; ExAC 0.00008; ESP Exome Variant Server 0.00008; gnomAD exomes 0.00010 and 0.00011; 1000 Genomes Project 30x 0.00016; 1000 Genomes Project 0.00020.
gnomAD v4.1: 184 of 1,612,248 alleles (0.011%); highest among the groups gnomAD compares: South Asian, 0.058%; 1 homozygote.

Submissions (3):

Labcorp Genetics (formerly Invitae), Labcorp
Classification: Uncertain significance. Last evaluated: 2025-10-01. Review status: criteria provided, single submitter. Criteria: Invitae Variant Classification Sherloc (09022015). Collection method: clinical testing. Allele origin: germline.
Comment: This sequence change replaces alanine, which is neutral and non-polar, with threonine, which is neutral and polar, at codon 683 of the MECOM protein (p.Ala683Thr). This variant is present in population databases (rs371057960, gnomAD 0.04%), and has an allele count higher than expected for a pathogenic variant. This variant has not been reported in the literature in individuals affected with MECOM-related conditions. ClinVar contains an entry for this variant (Variation ID: 1049625). An algorithm developed to predict the effect of missense changes on protein structure and function (PolyPhen-2) suggests that this variant is likely to be disruptive. In summary, the available evidence is currently insufficient to determine the role of this variant in disease. Therefore, it has been classified as a Variant of Uncertain Significance.

Genetic Services Laboratory, University of Chicago
Classification: Uncertain significance. Last evaluated: 2021-02-26. Review status: criteria provided, single submitter. Criteria: ACMG Guidelines, 2015. Collection method: clinical testing. Allele origin: germline. Affected: no.
Comment: DNA sequence analysis of the MECOM gene demonstrated a sequence change, c.2047G>A, in exon 10 that results in an amino acid change, p.Ala683Thr. This sequence change has been described in gnomAD with a low population frequency of 0.0100% (dbSNP rs371057960). The p.Ala683Thr change affects a moderately conserved amino acid residue located in a domain of the MECOM protein that is not known to be functional. In-silico pathogenicity prediction tools (SIFT, PolyPhen2, Align GVGD, REVEL) provide contradictory results for the p.Ala683Thr substitution. This sequence change does not appear to have been previously described in patients with MECOM-related disorders. Due to the lack of sufficient evidences, the clinical significance of the p.Ala683Thr change remains unknown at this time.

Department of Pathology and Laboratory Medicine, Sinai Health System
Classification: Uncertain significance. Review status: no assertion criteria provided. Collection method: clinical testing. Allele origin: unknown. Affected: yes. Study: The Canadian Open Genetics Repository (COGR). Not counted in ClinVar's aggregate classification.